The following is an entry in ClinVar:

NM_000059.4(BRCA2):c.5787T>G (p.Ile1929Met)

Gene: BRCA2 (BRCA2 DNA repair associated; plus strand). Cytogenetic location: 13q13.1.
Variant type: single nucleotide variant.
Coding change: c.5787T>G on transcript NM_000059.4 (MANE Select); coding-DNA position 5787, T replaced by G.
Protein change: p.Ile1929Met; replaces isoleucine 1929 with methionine.
Molecular consequence: missense variant.
Genome position (GRCh38, 1-based): chr13:32,340,142, T>G. VCF-style: chr13-32340142-T-G. GRCh37 (hg19) VCF-style: chr13-32914279-T-G.
Other names: short protein forms I1929M.
Identifiers: ClinVar variation 483114 (VCV000483114.8), dbSNP rs765881070, ClinGen allele CA247511664.

ClinVar aggregate classification (germline): Conflicting classifications of pathogenicity. Review status: criteria provided, conflicting classifications (1 of 4 stars). 2 submissions from 2 submitters: Uncertain significance (1); Likely benign (1). Last evaluated 2024-10-13.

Conditions:
Hereditary cancer-predisposing syndrome. Also called: Neoplastic Syndromes, Hereditary; Tumor predisposition; Hereditary Cancer Syndrome; Hereditary neoplastic syndrome. Identifiers: Orphanet 140162, MedGen C0027672, MeSH D009386, MONDO:0015356.

gnomAD v4.1: 6 of 1,613,202 alleles (0.00037%); highest among the groups gnomAD compares: Non-Finnish European, 0.00051%; no homozygotes.

Submissions (2):

Ambry Genetics
Classification: Uncertain significance for Hereditary cancer-predisposing syndrome. Last evaluated: 2024-10-13. Review status: criteria provided, single submitter. Criteria: Ambry Variant Classification Scheme 2023. Collection method: clinical testing. Allele origin: germline.
Comment: The p.I1929M variant (also known as c.5787T>G), located in coding exon 10 of the BRCA2 gene, results from a T to G substitution at nucleotide position 5787. The isoleucine at codon 1929 is replaced by methionine, an amino acid with highly similar properties. This amino acid position is not well conserved in available vertebrate species. In addition, this alteration is predicted to be tolerated by in silico analysis. Since supporting evidence is limited at this time, the clinical significance of this alteration remains unclear.

University of Washington Department of Laboratory Medicine, University of Washington
Classification: Likely benign for Hereditary cancer-predisposing syndrome. Last evaluated: 2023-03-23. Review status: criteria provided, single submitter. Criteria: Dines et al. (Genet Med. 2020). Collection method: curation. Allele origin: germline.
Comment: Missense variant in a coldspot region where missense variants are very unlikely to be pathogenic (PMID:31911673).

BRCA2 exon 11 coldspot. Reclassification based on statistical prior probability.